The following is an entry in ClinVar:

ClinVar aggregate classification (germline): Benign/Likely benign. Review status: criteria provided, multiple submitters, no conflicts (2 of 4 stars). 5 submissions from 5 submitters: Benign (1); Likely benign (4). Last evaluated 2026-09-01.

Conditions:
Immunodeficiency, common variable, 12 (CVID12). Also called: IMMUNODEFICIENCY, COMMON VARIABLE, 12, WITH AUTOIMMUNITY; NFKB1 DEFICIENCY. Identifiers: Orphanet 1572, Orphanet 696874, MedGen C4225277, MONDO:0014697, OMIM 616576.

Allele frequency attached by ClinVar (database versions not stated): 1000 Genomes Project 30x 0.00125; TOPMed 0.00153; 1000 Genomes Project 0.00160; ExAC 0.00194; ESP Exome Variant Server 0.00200; gnomAD 0.00204 and 0.00208; gnomAD exomes 0.00206 and 0.00250.
gnomAD v4.1: 3,954 of 1,614,124 alleles (0.24%); highest among the groups gnomAD compares: Non-Finnish European, 0.28%; 7 homozygotes.

Submissions (5):

CeGaT Center for Human Genetics Tuebingen
Classification: Likely benign. Last evaluated: 2026-09-01. Review status: criteria provided, single submitter. Criteria: CeGaT Center For Human Genetics Tuebingen Variant Classification Criteria Version 2. Collection method: clinical testing. Allele origin: germline. Affected: yes. Observed: 15 variant alleles.
Comment: NFKB1: BP4, BS1

Labcorp Genetics (formerly Invitae), Labcorp
Classification: Benign. Last evaluated: 2026-02-01. Review status: criteria provided, single submitter. Criteria: Invitae Variant Classification Sherloc (09022015). Collection method: clinical testing. Allele origin: germline.

Women's Health and Genetics/Laboratory Corporation of America, LabCorp
Classification: Likely benign. Last evaluated: 2026-01-23. Review status: criteria provided, single submitter. Criteria: LabCorp Variant Classification Summary - May 2015. Collection method: clinical testing. Allele origin: germline.

Blueprint Genetics
Classification: Likely benign. Last evaluated: 2024-11-21. Review status: criteria provided, single submitter. Criteria: ACMG Guidelines, 2015. Collection method: clinical testing. Allele origin: germline.

ARUP Laboratories, Molecular Genetics and Genomics, ARUP Laboratories
Classification: Likely benign for Immunodeficiency, common variable, 12. Last evaluated: 2023-08-21. Review status: criteria provided, single submitter. Criteria: ARUP Molecular Germline Variant Investigation Process 2024. Collection method: clinical testing. Allele origin: germline.

NM_003998.4(NFKB1):c.1845G>T (p.Leu615Phe)

Gene: NFKB1 (nuclear factor kappa B subunit 1; plus strand). Cytogenetic location: 4q24.
Variant type: single nucleotide variant.
Coding change: c.1845G>T on transcript NM_003998.4 (MANE Select); coding-DNA position 1845, G replaced by T.
Protein change: p.Leu615Phe; replaces leucine 615 with phenylalanine.
Molecular consequence: missense variant.
Genome position (GRCh38, 1-based): chr4:102,606,588, G>T. VCF-style: chr4-102606588-G-T. GRCh37 (hg19) VCF-style: chr4-103527745-G-T.
Other names: c.1842G>T, p.Leu614Phe (NM_001165412.2, NM_001319226.2); short protein forms L615F, L614F.
Identifiers: ClinVar variation 709895 (VCV000709895.50), dbSNP rs149211506, ClinGen allele CA3026263.